The following is an entry in ClinVar:

ClinVar aggregate classification (germline): Likely pathogenic (1 of 4 stars; one submission).

Conditions:
Long QT syndrome (LQTS). Identifiers: MedGen C0023976, MeSH D008133, MONDO:0002442. Disease mechanism: loss of function. Inheritance: Various modes of inheritance.

Submission:

Labcorp Genetics (formerly Invitae), Labcorp
Classification: Likely pathogenic for Long QT syndrome. Last evaluated: 2022-08-10. Review status: criteria provided, single submitter. Criteria: Invitae Variant Classification Sherloc (09022015). Collection method: clinical testing. Allele origin: germline.
Comment: In summary, the currently available evidence indicates that the variant is pathogenic, but additional data are needed to prove that conclusively. Therefore, this variant has been classified as Likely Pathogenic. This variant has not been reported in the literature in individuals affected with KCNQ1-related conditions. This variant results in a copy number gain of the genomic region encompassing exon(s) 11 of the KCNQ1 gene. While the exact position of this variant cannot be determined from the data, sub-genic copy number gains are generally in tandem (PMID: 25640679). This variant is predicted to be out-of-frame, and may result in an absent or disrupted protein product. Loss-of-function variants in KCNQ1 are known to be pathogenic (PMID: 9323054, 19862833).

Literature cited by the submitters: PubMed 25640679; PubMed 9323054; PubMed 19862833.

NC_000011.9:g.(?_2629548)_(2721238_?)dup

Genes: KCNQ1 (potassium voltage-gated channel subfamily Q member 1; plus strand), KCNQ1OT1 (KCNQ1 opposite strand/antisense transcript 1; minus strand). Cytogenetic location: 11p15.5.
Variant type: Duplication.
Identifiers: ClinVar variation 2422598 (VCV002422598.6).